The following is an entry in ClinVar:

ClinVar aggregate classification (germline): Uncertain significance (1 of 4 stars; one submission).

Conditions:
Hereditary cancer-predisposing syndrome. Also called: Neoplastic Syndromes, Hereditary; Hereditary Cancer Syndrome; Hereditary neoplastic syndrome; Tumor predisposition. Identifiers: Orphanet 140162, MedGen C0027672, MeSH D009386, MONDO:0015356.

Allele frequency attached by ClinVar (database versions not stated): gnomAD exomes below 0.00001.
gnomAD v4.1: 1 of 1,613,828 alleles (0.000062%); highest among the groups gnomAD compares: Non-Finnish European, 0.000085%; no homozygotes.

Submission:

Ambry Genetics
Classification: Uncertain significance for Hereditary cancer-predisposing syndrome. Last evaluated: 2023-03-17. Review status: criteria provided, single submitter. Criteria: Ambry Variant Classification Scheme 2023. Collection method: clinical testing. Allele origin: germline.
Comment: The p.L29V variant (also known as c.85C>G), located in coding exon 1 of the FLCN gene, results from a C to G substitution at nucleotide position 85. The leucine at codon 29 is replaced by valine, an amino acid with highly similar properties. This amino acid position is conserved. In addition, the in silico prediction for this alteration is inconclusive. Since supporting evidence is limited at this time, the clinical significance of this alteration remains unclear.

NM_144997.7(FLCN):c.85C>G (p.Leu29Val)

Gene: FLCN (folliculin; minus strand). Cytogenetic location: 17p11.2.
Variant type: single nucleotide variant.
Coding change: c.85C>G on transcript NM_144997.7 (MANE Select); coding-DNA position 85, C replaced by G.
Protein change: p.Leu29Val; replaces leucine 29 with valine.
Molecular consequence: missense variant.
Genome position (GRCh38, 1-based): chr17:17,228,053, G>C on the plus strand (C>G on the coding strand, the complement: FLCN is on the minus strand). VCF-style: chr17-17228053-G-C. GRCh37 (hg19) VCF-style: chr17-17131367-G-C.
Other names: c.85C>G, p.Leu29Val (NM_001353229.2, NM_001353230.2, NM_001353231.2 and 1 more transcripts); short protein forms L29V.
Identifiers: ClinVar variation 2566311 (VCV002566311.2), dbSNP rs2145048286, ClinGen allele CA398535365.